The following is an entry in ClinVar:

NM_006979.3(SLC39A7):c.748C>T (p.His250Tyr)

Gene: SLC39A7 (solute carrier family 39 member 7; plus strand). Cytogenetic location: 6p21.32.
Variant type: single nucleotide variant.
Coding change: c.748C>T on transcript NM_006979.3 (MANE Select); coding-DNA position 748, C replaced by T.
Protein change: p.His250Tyr; replaces histidine 250 with tyrosine.
Molecular consequence: missense variant.
Genome position (GRCh38, 1-based): chr6:33,202,376, C>T. VCF-style: chr6-33202376-C-T. GRCh37 (hg19) VCF-style: chr6-33170153-C-T.
Other names: c.748C>T, p.His250Tyr (NM_001077516.2); c.373C>T, p.His125Tyr (NM_001288777.2); short protein forms H125Y, H250Y.
Identifiers: ClinVar variation 1503936 (VCV001503936.8), dbSNP rs1774665295, ClinGen allele CA363642903.

ClinVar aggregate classification (germline): Uncertain significance (1 of 4 stars; one submission).

Allele frequency attached by ClinVar (database versions not stated): gnomAD exomes below 0.00001; gnomAD 0.00001.

Submission:

Labcorp Genetics (formerly Invitae), Labcorp
Classification: Uncertain significance. Last evaluated: 2025-01-15. Review status: criteria provided, single submitter. Criteria: Invitae Variant Classification Sherloc (09022015). Collection method: clinical testing. Allele origin: germline.
Comment: This sequence change replaces histidine, which is basic and polar, with tyrosine, which is neutral and polar, at codon 250 of the SLC39A7 protein (p.His250Tyr). This variant is not present in population databases (gnomAD no frequency). This variant has not been reported in the literature in individuals affected with SLC39A7-related conditions. ClinVar contains an entry for this variant (Variation ID: 1503936). An algorithm developed to predict the effect of missense changes on protein structure and function (PolyPhen-2) suggests that this variant is likely to be disruptive. In summary, the available evidence is currently insufficient to determine the role of this variant in disease. Therefore, it has been classified as a Variant of Uncertain Significance.